The following is an entry in ClinVar:

NM_001008537.3(NEXMIF):c.2509T>G (p.Ser837Ala)

Gene: NEXMIF (neurite extension and migration factor; minus strand). Cytogenetic location: Xq13.3.
Variant type: single nucleotide variant.
Coding change: c.2509T>G on transcript NM_001008537.3 (MANE Select); coding-DNA position 2509, T replaced by G.
Protein change: p.Ser837Ala; replaces serine 837 with alanine.
Molecular consequence: missense variant.
Genome position (GRCh38, 1-based): chrX:74,742,048, A>C on the plus strand (T>G on the coding strand, the complement: NEXMIF is on the minus strand). VCF-style: chrX-74742048-A-C. GRCh37 (hg19) VCF-style: chrX-73961883-A-C.
Other names: short protein forms S837A.
Identifiers: ClinVar variation 1313384 (VCV001313384.2), dbSNP rs2147440168, ClinGen allele CA413668062.

ClinVar aggregate classification (germline): Uncertain significance (1 of 4 stars; one submission).

Submission:

GeneDx
Classification: Uncertain significance. Last evaluated: 2020-01-28. Review status: criteria provided, single submitter. Criteria: GeneDx Variant Classification Process June 2021. Collection method: clinical testing. Allele origin: germline. Affected: yes.
Comment: Not observed in large population cohorts (Lek et al., 2016); In silico analysis, which includes protein predictors and evolutionary conservation, supports that this variant does not alter protein structure/function; Has not been previously published as pathogenic or benign to our knowledge